The following is an entry in ClinVar:

NM_000045.4(ARG1):c.553G>C (p.Gly185Arg)

Genes: ARG1 (arginase 1; plus strand), MED23 (mediator complex subunit 23; minus strand). Cytogenetic location: 6q23.2.
Variant type: single nucleotide variant.
Coding change: c.553G>C on transcript NM_000045.4 (MANE Select); coding-DNA position 553, G replaced by C.
Protein change: p.Gly185Arg; replaces glycine 185 with arginine.
Molecular consequence: missense variant. On other transcripts: non-coding transcript variant (1), intron variant (3).
Genome position (GRCh38, 1-based): chr6:131,582,708, G>C. VCF-style: chr6-131582708-G-C. GRCh37 (hg19) VCF-style: chr6-131903848-G-C.
Other names: c.577G>C, p.Gly193Arg (NM_001244438.2); c.306-352G>C (NM_001369020.1); c.4077+5001C>G (NM_001270521.2); c.4095+5001C>G (NM_015979.4); short protein forms G185R, G193R.
Identifiers: ClinVar variation 2148650 (VCV002148650.2), dbSNP rs768303250, ClinGen allele CA3999295.

ClinVar aggregate classification (germline): Uncertain significance. Review status: criteria provided, multiple submitters, no conflicts (2 of 4 stars). 2 submissions from 2 submitters: Uncertain significance (2). Last evaluated 2025-04-15.

Conditions:
Inborn genetic diseases. Identifiers: MedGen C0950123, MeSH D030342.
Arginase deficiency. Also called: Arginase 1 Deficiency; ARGININEMIA; ARG1 DEFICIENCY. Identifiers: Orphanet 90, MedGen C0268548, MONDO:0008814, OMIM 207800.

Allele frequency attached by ClinVar (database versions not stated): TOPMed 0.00008; gnomAD 0.00005; ExAC 0.00001.
gnomAD v4.1: 9 of 1,613,414 alleles (0.00056%); highest among the groups gnomAD compares: African/African-American, 0.012%; no homozygotes.

Submissions (2):

Ambry Genetics
Classification: Uncertain significance for Inborn genetic diseases. Last evaluated: 2025-04-15. Review status: criteria provided, single submitter. Criteria: Ambry Variant Classification Scheme 2023. Collection method: clinical testing. Allele origin: germline.

Labcorp Genetics (formerly Invitae), Labcorp
Classification: Uncertain significance for Arginase deficiency. Last evaluated: 2021-09-24. Review status: criteria provided, single submitter. Criteria: Invitae Variant Classification Sherloc (09022015). Collection method: clinical testing. Allele origin: germline.
Comment: This sequence change replaces glycine with arginine at codon 185 of the ARG1 protein (p.Gly185Arg). The glycine residue is highly conserved and there is a moderate physicochemical difference between glycine and arginine. This variant is present in population databases (rs768303250, ExAC 0.01%). This variant has not been reported in the literature in individuals with ARG1-related conditions. Algorithms developed to predict the effect of missense changes on protein structure and function are either unavailable or do not agree on the potential impact of this missense change (SIFT: "Tolerated"; PolyPhen-2: "Possibly Damaging"; Align-GVGD: "Class C0"). In summary, the available evidence is currently insufficient to determine the role of this variant in disease. Therefore, it has been classified as a Variant of Uncertain Significance.